The following is an entry in ClinVar:

NM_001844.5(COL2A1):c.4075-1G>T

Gene: COL2A1 (collagen type II alpha 1 chain; minus strand). Cytogenetic location: 12q13.11.
Variant type: single nucleotide variant.
Coding change: c.4075-1G>T on transcript NM_001844.5 (MANE Select); the canonical splice acceptor site of the intron before coding-DNA position 4075, G replaced by T.
Molecular consequence: splice acceptor variant.
Genome position (GRCh38, 1-based): chr12:47,974,332, C>A on the plus strand (G>T on the coding strand, the complement: COL2A1 is on the minus strand). VCF-style: chr12-47974332-C-A. GRCh37 (hg19) VCF-style: chr12-48368115-C-A.
Other names: c.3868-1G>T (NM_033150.3).
Identifiers: ClinVar variation 1068035 (VCV001068035.9), dbSNP rs2136506437, ClinGen allele CA384534029.

ClinVar aggregate classification (germline): Likely pathogenic (1 of 4 stars; one submission).

Submission:

Labcorp Genetics (formerly Invitae), Labcorp
Classification: Likely pathogenic. Last evaluated: 2025-01-13. Review status: criteria provided, single submitter. Criteria: Invitae Variant Classification Sherloc (09022015). Collection method: clinical testing. Allele origin: germline.
Comment: This sequence change affects an acceptor splice site in intron 52 of the COL2A1 gene. It is expected to disrupt RNA splicing. Variants that disrupt the donor or acceptor splice site typically lead to a loss of protein function (PMID: 16199547), and loss-of-function variants in COL2A1 are known to be pathogenic (PMID: 20179744). This variant is not present in population databases (gnomAD no frequency). Disruption of this splice site has been observed in individual(s) with clinical features of Stickler syndrome (internal data). ClinVar contains an entry for this variant (Variation ID: 1068035). Algorithms developed to predict the effect of sequence changes on RNA splicing suggest that this variant may disrupt the consensus splice site. In summary, the currently available evidence indicates that the variant is pathogenic, but additional data are needed to prove that conclusively. Therefore, this variant has been classified as Likely Pathogenic.

Literature cited by the submitters: PubMed 16199547; PubMed 20179744.